The following is an entry in ClinVar:

NM_001372078.1(REV3L):c.1695T>C (p.Ala565=)

Gene: REV3L (REV3 like, DNA directed polymerase zeta catalytic subunit; minus strand). Cytogenetic location: 6q21.
Variant type: single nucleotide variant.
Coding change: c.1695T>C on transcript NM_001372078.1 (MANE Select); coding-DNA position 1695, T replaced by C.
Protein change: p.Ala565=; no amino-acid change (alanine 565 retained).
Molecular consequence: synonymous variant.
Genome position (GRCh38, 1-based): chr6:111,376,660, A>G on the plus strand (T>C on the coding strand, the complement: REV3L is on the minus strand). VCF-style: chr6-111376660-A-G. GRCh37 (hg19) VCF-style: chr6-111697863-A-G.
Other names: c.1461T>C, p.Ala487= (NM_001286431.2, NM_001286432.2); c.1695T>C, p.Ala565= (NM_002912.5).
Identifiers: ClinVar variation 791585 (VCV000791585.16), dbSNP rs143341805, ClinGen allele CA3962475.

ClinVar aggregate classification (germline): Benign. Review status: criteria provided, multiple submitters, no conflicts (2 of 4 stars). 3 submissions from 3 submitters: Benign (2). 1 of the submissions does not count toward it. Last evaluated 2025-05-01.

Conditions:
REV3L-related disorder. Also called: REV3L-related condition.

Allele frequency attached by ClinVar (database versions not stated): 1000 Genomes Project 30x 0.00062; 1000 Genomes Project 0.00080; ExAC 0.00128; gnomAD exomes 0.00128 and 0.00271; gnomAD 0.00139 and 0.00140; TOPMed 0.00150; ESP Exome Variant Server 0.00277.
gnomAD v4.1: 4,122 of 1,612,044 alleles (0.26%); highest among the groups gnomAD compares: Non-Finnish European, 0.33%; 7 homozygotes.

Submissions (3):

CeGaT Center for Human Genetics Tuebingen
Classification: Benign. Last evaluated: 2025-05-01. Review status: criteria provided, single submitter. Criteria: CeGaT Center For Human Genetics Tuebingen Variant Classification Criteria Version 2. Collection method: clinical testing. Allele origin: germline. Affected: yes. Observed: 1 variant allele.
Comment: REV3L: BP4, BS1, BS2

Labcorp Genetics (formerly Invitae), Labcorp
Classification: Benign. Last evaluated: 2019-12-31. Review status: criteria provided, single submitter. Criteria: Invitae Variant Classification Sherloc (09022015). Collection method: clinical testing. Allele origin: germline.

PreventionGenetics, part of Exact Sciences
Classification: Likely benign for REV3L-related condition. Last evaluated: 2019-05-24. Review status: no assertion criteria provided. Collection method: clinical testing. Allele origin: germline. Not counted in ClinVar's aggregate classification.
Comment: This variant is classified as likely benign based on ACMG/AMP sequence variant interpretation guidelines (Richards et al. 2015 PMID: 25741868, with internal and published modifications).